The following is an entry in ClinVar:

NM_007325.5(GRIA3):c.527C>T (p.Ala176Val)

Gene: GRIA3 (glutamate ionotropic receptor AMPA type subunit 3; plus strand). Cytogenetic location: Xq25.
Variant type: single nucleotide variant.
Coding change: c.527C>T on transcript NM_007325.5 (MANE Select); coding-DNA position 527, C replaced by T.
Protein change: p.Ala176Val; replaces alanine 176 with valine.
Molecular consequence: missense variant.
Genome position (GRCh38, 1-based): chrX:123,326,044, C>T. VCF-style: chrX-123326044-C-T. GRCh37 (hg19) VCF-style: chrX-122459895-C-T.
Other names: c.527C>T, p.Ala176Val (NM_000828.5); short protein forms A176V.
Identifiers: ClinVar variation 426660 (VCV000426660.10), dbSNP rs764670975, ClinGen allele CA335234207.

ClinVar aggregate classification (germline): Conflicting classifications of pathogenicity. Review status: criteria provided, conflicting classifications (1 of 4 stars). 4 submissions from 4 submitters: Uncertain significance (3); Likely benign (1). Last evaluated 2025-12-30.

Conditions:
Syndromic X-linked intellectual disability 94 (MRXSW). Also called: MENTAL RETARDATION, X-LINKED, SYNDROMIC 29; X-linked intellectual disability due to GRIA3 anomalies. Identifiers: Orphanet 364028, MedGen C2678051, MONDO:0010402, OMIM 300699.

Allele frequency attached by ClinVar (database versions not stated): gnomAD exomes 0.00001; TOPMed 0.00005.
gnomAD v4.1: 57 of 1,206,419 alleles (0.0047%); highest among the groups gnomAD compares: Non-Finnish European, 0.0063%; no homozygotes.

Submissions (4):

Women's Health and Genetics/Laboratory Corporation of America, LabCorp
Classification: Uncertain significance. Last evaluated: 2025-12-30. Review status: criteria provided, single submitter. Criteria: LabCorp Variant Classification Summary - May 2015. Collection method: clinical testing. Allele origin: germline.
Comment: Variant summary: GRIA3 c.527C>T (p.Ala176Val) results in a non-conservative amino acid change in the encoded protein sequence. Algorithms developed to predict the effect of missense changes on protein structure and function are either unavailable or do not agree on the potential impact of this missense change. The variant allele was found at a frequency of 1.1e-05 in 183139 control chromosomes. The available data on variant occurrences in the general population are insufficient to allow any conclusion about variant significance. To our knowledge, no occurrence of c.527C>T in individuals affected with GRIA3-related conditions and no experimental evidence demonstrating its impact on protein function have been reported. ClinVar contains an entry for this variant (Variation ID: 426660). Based on the evidence outlined above, the variant was classified as uncertain significance.

Labcorp Genetics (formerly Invitae), Labcorp
Classification: Uncertain significance. Last evaluated: 2025-11-27. Review status: criteria provided, single submitter. Criteria: Invitae Variant Classification Sherloc (09022015). Collection method: clinical testing. Allele origin: germline.
Comment: This sequence change replaces alanine, which is neutral and non-polar, with valine, which is neutral and non-polar, at codon 176 of the GRIA3 protein (p.Ala176Val). This variant is present in population databases (rs764670975, gnomAD 0.001%). This variant has not been reported in the literature in individuals affected with GRIA3-related conditions. ClinVar contains an entry for this variant (Variation ID: 426660). Invitae Evidence Modeling of protein sequence and biophysical properties (such as structural, functional, and spatial information, amino acid conservation, physicochemical variation, residue mobility, and thermodynamic stability) indicates that this missense variant is not expected to disrupt GRIA3 protein function with a negative predictive value of 80%. In summary, the available evidence is currently insufficient to determine the role of this variant in disease. Therefore, it has been classified as a Variant of Uncertain Significance.

GeneDx
Classification: Likely benign. Last evaluated: 2021-03-10. Review status: criteria provided, single submitter. Criteria: GeneDx Variant Classification Process June 2021. Collection method: clinical testing. Allele origin: germline. Affected: yes.
Comment: In silico analysis supports that this missense variant does not alter protein structure/function; Has not been previously published as pathogenic or benign to our knowledge

Fulgent Genetics
Classification: Uncertain significance for Syndromic X-linked intellectual disability 94. Last evaluated: 2018-10-31. Review status: criteria provided, single submitter. Criteria: ACMG Guidelines, 2015. Collection method: clinical testing. Allele origin: unknown.